The following is an entry in ClinVar:

ClinVar aggregate classification (germline): Uncertain significance (1 of 4 stars; one submission).

Submission:

Ambry Genetics
Classification: Uncertain significance. Last evaluated: 2026-06-01. Review status: criteria provided, single submitter. Criteria: Ambry Variant Classification Scheme 2023. Collection method: clinical testing. Allele origin: germline.
Comment: The c.629_630insGAA variant (also known as p.D210delinsEN), located in coding exon 6 of the RAD51B gene, results from an in-frame GAA insertion at nucleotide positions 629 to 630. This results in the substitution of the aspartic acid residue for glutamic acid and asparagine residues at codon 210. In addition, this variant is predicted to be deleterious by in silico analysis (Choi Y et al. PLoS ONE. 2012; 7(10):e46688). This amino acid position is highly conserved in available vertebrate species. The evidence for this gene-disease relationship is limited; therefore, the clinical significance of this variant is unclear.

NM_133510.4(RAD51B):c.629_630insGAA (p.Asp210delinsGluAsn)

Gene: RAD51B (RAD51 paralog B; plus strand). Cytogenetic location: 14q24.1.
Variant type: Insertion.
Coding change: c.629_630insGAA on transcript NM_133510.4 (MANE Select); coding-DNA positions 629 to 630, GAA inserted.
Protein change: p.Asp210delinsGluAsn.
Molecular consequence: inframe indel.
Genome position: GRCh38 VCF-style: chr14-67887076-G-GAGA. GRCh37 (hg19) VCF-style: chr14-68353793-G-GAGA.
Other names: c.629_630insGAA, p.Asp210delinsGluAsn (NM_001321809.2, NM_001321810.2, NM_001321812.1 and 6 more transcripts); c.515_516insGAA, p.Asp172delinsGluAsn (NM_001321815.1); c.272_273insGAA, p.Asp91delinsGluAsn (NM_001321817.2).
Identifiers: ClinVar variation 4862919 (VCV004862919.1).